The following is an entry in ClinVar:

ClinVar aggregate classification (germline): Likely benign (1 of 4 stars; one submission).

Conditions:
Porencephaly-microcephaly-bilateral congenital cataract syndrome. Identifiers: Orphanet 306547, MedGen C3151000, MONDO:0013394, OMIM 613730.

Submission:

Centre for Medical Genetics,  Mumbai
Classification: Likely benign for Porencephaly-microcephaly-bilateral congenital cataract syndrome. Last evaluated: 2026-03-22. Review status: criteria provided, single submitter. Criteria: ACMG Guidelines, 2015. Collection method: provider interpretation. Allele origin: germline. Inheritance: Autosomal recessive inheritance. Affected: no. Observed: 1 variant allele, 1 homozygote.
Comment: The variant satisfies PM2 criteria; Extremely low frequency in gnomAD population databases. The variant satisfies BP7 criteria; Synonymous or non coding variant which is not located in a splice region and not predicted to have splice-altering consequence. However, the variant satisfies BS2 criteria.

Literature cited by the submitters: PubMed 21109224.

NM_032801.5(JAM3):c.*41C>T

Gene: JAM3 (junctional adhesion molecule 3; plus strand). Cytogenetic location: 11q25.
Variant type: single nucleotide variant.
Coding change: c.*41C>T on transcript NM_032801.5 (MANE Select); 41 bases downstream of the stop codon, C replaced by T.
Molecular consequence: 3 prime UTR variant.
Genome position (GRCh38, 1-based): chr11:134,149,222, C>T. VCF-style: chr11-134149222-C-T. GRCh37 (hg19) VCF-style: chr11-134019117-C-T.
Other names: c.*41C>T (NM_001205329.2).
Identifiers: ClinVar variation 4820043 (VCV004820043.1).